The following is an entry in ClinVar:

ClinVar aggregate classification (germline): Uncertain significance (1 of 4 stars; one submission).

Allele frequency attached by ClinVar (database versions not stated): gnomAD exomes below 0.00001 and 0.00002.
gnomAD v4.1: 4 of 1,582,208 alleles (0.00025%); highest among the groups gnomAD compares: Admixed American, 0.0037%; no homozygotes.

Submission:

Labcorp Genetics (formerly Invitae), Labcorp
Classification: Uncertain significance. Last evaluated: 2022-07-05. Review status: criteria provided, single submitter. Criteria: Invitae Variant Classification Sherloc (09022015). Collection method: clinical testing. Allele origin: germline.
Comment: This sequence change replaces serine, which is neutral and polar, with proline, which is neutral and non-polar, at codon 624 of the KIAA1549 protein (p.Ser624Pro). This variant is present in population databases (no rsID available, gnomAD 0.007%). This missense change has been observed in individual(s) with Leber congenital amaurosis (Invitae). ClinVar contains an entry for this variant (Variation ID: 1362804). Algorithms developed to predict the effect of missense changes on protein structure and function output the following: SIFT: "Deleterious"; PolyPhen-2: "Probably Damaging"; Align-GVGD: "Class C0". The proline amino acid residue is found in multiple mammalian species, which suggests that this missense change does not adversely affect protein function. In summary, the available evidence is currently insufficient to determine the role of this variant in disease. Therefore, it has been classified as a Variant of Uncertain Significance.

NM_001164665.2(KIAA1549):c.1870T>C (p.Ser624Pro)

Gene: KIAA1549 (KIAA1549; minus strand). Cytogenetic location: 7q34.
Variant type: single nucleotide variant.
Coding change: c.1870T>C on transcript NM_001164665.2 (MANE Select); coding-DNA position 1870, T replaced by C.
Protein change: p.Ser624Pro; replaces serine 624 with proline.
Molecular consequence: missense variant.
Genome position (GRCh38, 1-based): chr7:138,917,756, A>G on the plus strand (T>C on the coding strand, the complement: KIAA1549 is on the minus strand). VCF-style: chr7-138917756-A-G. GRCh37 (hg19) VCF-style: chr7-138602502-A-G.
Other names: c.1870T>C, p.Ser624Pro (NM_020910.3); short protein forms S624P.
Identifiers: ClinVar variation 1362804 (VCV001362804.5), dbSNP rs1363778670, ClinGen allele CA369396311.